The following is an entry in ClinVar:

NM_030665.4(RAI1):c.5479G>T (p.Ala1827Ser)

Gene: RAI1 (retinoic acid induced 1; plus strand). Cytogenetic location: 17p11.2.
Variant type: single nucleotide variant.
Coding change: c.5479G>T on transcript NM_030665.4 (MANE Select); coding-DNA position 5479, G replaced by T.
Protein change: p.Ala1827Ser; replaces alanine 1827 with serine.
Molecular consequence: missense variant.
Genome position (GRCh38, 1-based): chr17:17,798,427, G>T. VCF-style: chr17-17798427-G-T. GRCh37 (hg19) VCF-style: chr17-17701741-G-T.
Other names: c.5479G>T (NM_030665.3); short protein forms A1827S.
Identifiers: ClinVar variation 2068523 (VCV002068523.5), dbSNP rs2543627104, ClinGen allele CA398559267.

ClinVar aggregate classification (germline): Uncertain significance. Review status: criteria provided, single submitter (1 of 4 stars). 2 submissions from 2 submitters: Uncertain significance (1). 1 of the submissions does not count toward it. Last evaluated 2022-02-17.

Conditions:
RAI1-related disorder. Also called: RAI1-related condition.

Submissions (2):

Labcorp Genetics (formerly Invitae), Labcorp
Classification: Uncertain significance. Last evaluated: 2022-02-17. Review status: criteria provided, single submitter. Criteria: Invitae Variant Classification Sherloc (09022015). Collection method: clinical testing. Allele origin: germline.
Comment: Algorithms developed to predict the effect of missense changes on protein structure and function are either unavailable or do not agree on the potential impact of this missense change (SIFT: "Deleterious"; PolyPhen-2: "Benign"; Align-GVGD: "Class C65"). In summary, the available evidence is currently insufficient to determine the role of this variant in disease. Therefore, it has been classified as a Variant of Uncertain Significance. This variant has not been reported in the literature in individuals affected with RAI1-related conditions. This variant is not present in population databases (gnomAD no frequency). This sequence change replaces alanine, which is neutral and non-polar, with serine, which is neutral and polar, at codon 1827 of the RAI1 protein (p.Ala1827Ser).

PreventionGenetics, part of Exact Sciences
Classification: Uncertain significance for RAI1-related condition. Last evaluated: 2024-03-06. Review status: no assertion criteria provided. Collection method: clinical testing. Allele origin: germline. Not counted in ClinVar's aggregate classification.
Comment: The RAI1 c.5479G>T variant is predicted to result in the amino acid substitution p.Ala1827Ser. To our knowledge, this variant has not been reported in the literature or in a large population database, indicating this variant is rare. At this time, the clinical significance of this variant is uncertain due to the absence of conclusive functional and genetic evidence.